The following is an entry in ClinVar:

ClinVar aggregate classification (germline): Uncertain significance (1 of 4 stars; one submission).

Conditions:
Hypertrophic cardiomyopathy 26. Also called: Cardiomyopathy, familial hypertrophic, 26. Identifiers: Orphanet 75249, MedGen C4310749, MONDO:0014883, OMIM 617047.
Myofibrillar myopathy 5. Also called: Filaminopathy (type); FILAMINOPATHY, AUTOSOMAL DOMINANT. Identifiers: Orphanet 171445, MedGen C1836050, MONDO:0012289, OMIM 609524.
Distal myopathy with posterior leg and anterior hand involvement. Also called: WILLIAMS DISTAL MYOPATHY. Identifiers: Orphanet 63273, MedGen C3279722, MONDO:0013550, OMIM 614065.

Submission:

Labcorp Genetics (formerly Invitae), Labcorp
Classification: Uncertain significance for Distal myopathy with posterior leg and anterior hand involvement; Myofibrillar myopathy 5; Hypertrophic cardiomyopathy 26. Last evaluated: 2026-01-25. Review status: criteria provided, single submitter. Criteria: Invitae Variant Classification Sherloc (09022015). Collection method: clinical testing. Allele origin: germline.
Comment: This sequence change replaces glutamic acid, which is acidic and polar, with lysine, which is basic and polar, at codon 247 of the FLNC protein (p.Glu247Lys). This variant is not present in population databases (gnomAD no frequency). This variant has not been reported in the literature in individuals affected with FLNC-related conditions. Invitae Evidence Modeling of protein sequence and biophysical properties (such as structural, functional, and spatial information, amino acid conservation, physicochemical variation, residue mobility, and thermodynamic stability) has been performed for this missense variant. However, the output from this modeling did not meet the statistical confidence thresholds required to predict the impact of this variant on FLNC protein function. In summary, the available evidence is currently insufficient to determine the role of this variant in disease. Therefore, it has been classified as a Variant of Uncertain Significance.

NM_001458.5(FLNC):c.739G>A (p.Glu247Lys)

Gene: FLNC (filamin C; plus strand). Cytogenetic location: 7q32.1.
Variant type: single nucleotide variant.
Coding change: c.739G>A on transcript NM_001458.5 (MANE Select); coding-DNA position 739, G replaced by A.
Protein change: p.Glu247Lys; replaces glutamic acid 247 with lysine.
Molecular consequence: missense variant.
Genome position (GRCh38, 1-based): chr7:128,837,437, G>A. VCF-style: chr7-128837437-G-A. GRCh37 (hg19) VCF-style: chr7-128477491-G-A.
Other names: c.739G>A, p.Glu247Lys (NM_001127487.2); short protein forms E247K.
Identifiers: ClinVar variation 4812465 (VCV004812465.1).